The following is an entry in ClinVar:

ClinVar aggregate classification (germline): Likely pathogenic. Review status: criteria provided, multiple submitters, no conflicts (2 of 4 stars). 4 submissions from 4 submitters: Likely pathogenic (4). Last evaluated 2026-09-15.

Conditions:
Autosomal recessive limb-girdle muscular dystrophy type 2J (LGMDR10). Also called: Limb-girdle muscular dystrophy, type 2J; MUSCULAR DYSTROPHY, LIMB-GIRDLE, AUTOSOMAL RECESSIVE 10. Identifiers: Orphanet 140922, MedGen C1837342, MONDO:0012127, OMIM 608807.
Dilated cardiomyopathy 1G (CMD1G). Identifiers: Orphanet 154, MedGen C1858763, MONDO:0011400, OMIM 604145.
Cardiovascular phenotype. Identifiers: MedGen CN230736.
TTN-related disorder. Also called: TTN-related disorders; TTN-related condition; TTN-related disease.

Submissions (4):

GeneDx
Classification: Likely pathogenic. Last evaluated: 2026-09-15. Review status: criteria provided, single submitter. Criteria: GeneDx Variant Classification Process June 2021. Collection method: clinical testing. Allele origin: germline.
Comment: Nonsense variant predicted to result in protein truncation or nonsense mediated decay in a gene for which loss of function is a known mechanism of disease; Located in the A-band, a region of TTN for which truncating variants are significantly associated with autosomal dominant cardiomyopathy and also with autosomal recessive skeletal myopathies (PMID: 22335739, 32778822); Not observed at significant frequency in large population cohorts (gnomAD); Has not been previously published as pathogenic or benign to our knowledge; This variant is associated with the following publications: (PMID: 24575448, 22335739, 32778822)

Ambry Genetics
Classification: Likely pathogenic for Cardiovascular phenotype. Last evaluated: 2025-07-22. Review status: criteria provided, single submitter. Criteria: Ambry Variant Classification Scheme 2023. Collection method: clinical testing. Allele origin: germline.
Comment: The p.E13648* variant (also known as c.40942G>T), located in coding exon 147 of the TTN gene, results from a G to T substitution at nucleotide position 40942. This changes the amino acid from a glutamic acid to a stop codon within coding exon 147. This exon is located in the A-band region of the N2-B isoform of the titin protein and is constitutively expressed in TTN transcripts (percent spliced in or PSI 100%). This variant is considered to be rare based on population cohorts in the Genome Aggregation Database (gnomAD). This variant is expected to result in loss of function by premature protein truncation or nonsense-mediated mRNA decay. While truncating variants in TTN are present in 1-3% of the general population, truncating variants in the A-band are the most common cause of dilated cardiomyopathy (Herman DS et al. N. Engl. J. Med., 2012 Feb;366:619-28; Roberts AM et al. Sci Transl Med, 2015 Jan;7:270ra6). TTN truncating variants encoded in constitutive exons (PSI >90%) have been found to be significantly associated with DCM regardless of their position in titin (Schafer S et al. Nat. Genet., 2017 01;49:46-53; Akhtar MM et al. Circ Heart Fail, 2020 Oct;13:e006832; Massier M et al. Clin Genet, 2025 Jan). Based on the majority of available evidence to date, this variant is likely to be pathogenic.

Labcorp Genetics (formerly Invitae), Labcorp
Classification: Likely pathogenic for Dilated cardiomyopathy 1G; Autosomal recessive limb-girdle muscular dystrophy type 2J. Last evaluated: 2024-06-13. Review status: criteria provided, single submitter. Criteria: Invitae Variant Classification Sherloc (09022015). Collection method: clinical testing. Allele origin: germline.
Comment: This sequence change creates a premature translational stop signal (p.Glu22713*) in the TTN gene. While this is not anticipated to result in nonsense mediated decay, it is expected to create a truncated TTN protein. This variant is not present in population databases (gnomAD no frequency). This variant has not been reported in the literature in individuals affected with TTN-related conditions. ClinVar contains an entry for this variant (Variation ID: 2631297). This variant is located in the A band of TTN (PMID: 25589632). Truncating variants in this region are significantly overrepresented in patients affected with dilated cardiomyopathy (PMID: 25589632). Truncating variants in this region have also been reported in individuals affected with autosomal recessive centronuclear myopathy (PMID: 23975875). In summary, the currently available evidence indicates that the variant is pathogenic, but additional data are needed to prove that conclusively. Therefore, this variant has been classified as Likely Pathogenic.

PreventionGenetics, part of Exact Sciences
Classification: Likely pathogenic for TTN-related condition. Last evaluated: 2023-07-22. Review status: criteria provided, single submitter. Criteria: ACMG Guidelines, 2015. Collection method: clinical testing. Allele origin: germline.
Comment: The TTN c.68137G>T variant is predicted to result in premature protein termination (p.Glu22713*). To our knowledge, this variant has not been reported in the literature or in a large population database, indicating this variant is rare. This variant resides in exon 320 and is located in the A-band region of the protein in which truncating TTN variants have been found more frequently in dilated cardiomyopathy patients than in controls (Herman et al. 2012. PubMed ID: 22335739). RNAseq studies from heart tissue indicate this exon is commonly included in TTN mRNA transcripts (PSI of 92-100%); however, this analysis was not performed in muscle tissue (Roberts et al. 2015. PMID: 25589632). TTN truncating variants are reported in 1-2% of presumably healthy individuals, but occur more frequently in exons with low PSI values (Roberts A.M. et al. 2015. PMID: 25589632; Herman D.S. et al. 2012. PMID: 22335739). This variant is considered likely pathogenic for increased risk of TTN-related cardiac disorders, and also for autosomal recessive severe congenital titinopathies when in the presence of an additional loss-of-function TTN variant. Of note, TTN truncating variants show incomplete and age-dependent penetrance in regards to autosomal dominant dilated cardiomyopathy. ACMG has recommended the reporting of TTN truncating variants in highly expressed exons due to the significant risk of cardiomyopathy (see ACMG statement in Miller et al. 2022. PubMed ID: 35802134).

Literature cited by the submitters: PubMed 25589632 (cited by Labcorp Genetics (formerly Invitae), Labcorp); PubMed 23975875 (cited by Labcorp Genetics (formerly Invitae), Labcorp).

NM_001267550.2(TTN):c.68137G>T (p.Glu22713Ter)

Genes: TTN (titin; minus strand), TTN-AS1 (TTN antisense RNA 1; plus strand), LOC126806423 (CDK7 strongly-dependent group 2 enhancer GRCh37_chr2:179443309-179444508; plus strand). Cytogenetic location: 2q31.2.
Variant type: single nucleotide variant.
Coding change: c.68137G>T on transcript NM_001267550.2 (MANE Select); coding-DNA position 68137, G replaced by T.
Protein change: p.Glu22713Ter; replaces glutamic acid 22713 with a stop codon.
Molecular consequence: nonsense.
Genome position (GRCh38, 1-based): chr2:178,578,893, C>A on the plus strand (G>T on the coding strand, the complement: TTN is on the minus strand). VCF-style: chr2-178578893-C-A. GRCh37 (hg19) VCF-style: chr2-179443620-C-A.
Other names: c.63214G>T, p.Glu21072Ter (NM_001256850.1); c.40942G>T, p.Glu13648Ter (NM_003319.4); c.60433G>T, p.Glu20145Ter (NM_133378.4); c.41317G>T, p.Glu13773Ter (NM_133432.3); c.41518G>T, p.Glu13840Ter (NM_133437.4); short protein forms E13648*, E13773*, E13840*, E20145*, E21072*, E22713*.
Identifiers: ClinVar variation 2631297 (VCV002631297.6), dbSNP rs895744220, ClinGen allele CA349421469.